The following is an entry in ClinVar:

NM_001011.4(RPS7):c.399G>C (p.Leu133Phe)

Gene: RPS7 (ribosomal protein S7; plus strand). Cytogenetic location: 2p25.3.
Variant type: single nucleotide variant.
Coding change: c.399G>C on transcript NM_001011.4 (MANE Select); coding-DNA position 399, G replaced by C.
Protein change: p.Leu133Phe; replaces leucine 133 with phenylalanine.
Molecular consequence: missense variant.
Genome position (GRCh38, 1-based): chr2:3,580,152, G>C. VCF-style: chr2-3580152-G-C. GRCh37 (hg19) VCF-style: chr2-3627742-G-C.
Other names: short protein forms L133F.
Identifiers: ClinVar variation 3654517 (VCV003654517.2).

ClinVar aggregate classification (germline): Likely pathogenic (1 of 4 stars; one submission).

Conditions:
Diamond-Blackfan anemia 8 (DBA8). Also called: RPS7-Related Diamond-Blackfan Anemia. Identifiers: Orphanet 124, MedGen C2675511, MONDO:0012939, OMIM 612563.

Submission:

Labcorp Genetics (formerly Invitae), Labcorp
Classification: Likely pathogenic for Diamond-Blackfan anemia 8. Last evaluated: 2024-09-18. Review status: criteria provided, single submitter. Criteria: Invitae Variant Classification Sherloc (09022015). Collection method: clinical testing. Allele origin: germline.
Comment: This sequence change replaces leucine, which is neutral and non-polar, with phenylalanine, which is neutral and non-polar, at codon 133 of the RPS7 protein (p.Leu133Phe). This variant is not present in population databases (gnomAD no frequency). This missense change has been observed in individual(s) with Diamond-Blackfan anemia (internal data). In at least one individual the variant was observed to be de novo. An algorithm developed to predict the effect of missense changes on protein structure and function (PolyPhen-2) suggests that this variant is likely to be disruptive. This variant disrupts the p.Leu133 amino acid residue in RPS7. Other variant(s) that disrupt this residue have been observed in individuals with RPS7-related conditions (PMID: 26136524), which suggests that this may be a clinically significant amino acid residue. In summary, the currently available evidence indicates that the variant is pathogenic, but additional data are needed to prove that conclusively. Therefore, this variant has been classified as Likely Pathogenic.

Literature cited by the submitters: PubMed 26136524.